The following is an entry in ClinVar:

ClinVar aggregate classification (germline): Uncertain significance (1 of 4 stars; one submission).

Conditions:
Muscular dystrophy-dystroglycanopathy (congenital with impaired intellectual development), type B, 2. Also called: MUSCULAR DYSTROPHY, CONGENITAL, POMT2-RELATED; Muscular dystrophy-dystroglycanopathy (congenital with intellectual disability), type B2. Identifiers: MedGen C3150416, MONDO:0013160, OMIM 613156.
Autosomal recessive limb-girdle muscular dystrophy type 2N. Also called: MUSCULAR DYSTROPHY-DYSTROGLYCANOPATHY, LIMB-GIRDLE, POMT2-RELATED; Muscular dystrophy-dystroglycanopathy (limb-girdle), type C, 2. Identifiers: Orphanet 206559, MedGen C3150418, MONDO:0013162, OMIM 613158.
Muscular dystrophy-dystroglycanopathy (congenital with brain and eye anomalies), type A2. Also called: MUSCULAR DYSTROPHY-DYSTROGLYCANOPATHY (CONGENITAL WITH BRAIN AND EYE ANOMALIES), TYPE A, 2; WALKER-WARBURG SYNDROME OR MUSCLE-EYE-BRAIN DISEASE, POMT2-RELATED. Identifiers: Orphanet 588, Orphanet 899, MedGen C3150411, MONDO:0013154, OMIM 613150.

Submission:

Labcorp Genetics (formerly Invitae), Labcorp
Classification: Uncertain significance for Muscular dystrophy-dystroglycanopathy (congenital with impaired intellectual development), type B, 2; Muscular dystrophy-dystroglycanopathy (congenital with brain and eye anomalies), type A2; Autosomal recessive limb-girdle muscular dystrophy type 2N. Last evaluated: 2025-06-22. Review status: criteria provided, single submitter. Criteria: Invitae Variant Classification Sherloc (09022015). Collection method: clinical testing. Allele origin: germline.
Comment: This sequence change replaces arginine, which is basic and polar, with histidine, which is basic and polar, at codon 51 of the POMT2 protein (p.Arg51His). This variant is not present in population databases (gnomAD no frequency). This variant has not been reported in the literature in individuals affected with POMT2-related conditions. Invitae Evidence Modeling of protein sequence and biophysical properties (such as structural, functional, and spatial information, amino acid conservation, physicochemical variation, residue mobility, and thermodynamic stability) indicates that this missense variant is not expected to disrupt POMT2 protein function with a negative predictive value of 95%. In summary, the available evidence is currently insufficient to determine the role of this variant in disease. Therefore, it has been classified as a Variant of Uncertain Significance.

NM_013382.7(POMT2):c.152G>A (p.Arg51His)

Gene: POMT2 (protein O-mannosyltransferase 2; minus strand). Cytogenetic location: 14q24.3.
Variant type: single nucleotide variant.
Coding change: c.152G>A on transcript NM_013382.7 (MANE Select); coding-DNA position 152, G replaced by A.
Protein change: p.Arg51His; replaces arginine 51 with histidine.
Molecular consequence: missense variant.
Genome position (GRCh38, 1-based): chr14:77,320,530, C>T on the plus strand (G>A on the coding strand, the complement: POMT2 is on the minus strand). VCF-style: chr14-77320530-C-T. GRCh37 (hg19) VCF-style: chr14-77786873-C-T.
Other names: short protein forms R51H.
Identifiers: ClinVar variation 4788124 (VCV004788124.1).